The following is an entry in ClinVar:

ClinVar aggregate classification (germline): Uncertain significance (1 of 4 stars; one submission).

Conditions:
CHARGE syndrome (CHARGE). Also called: Hittner Hirsch Kreh syndrome; Coloboma, heart anomaly, choanal atresia, retardation, genital and ear anomalies; CHARGE association; Hall-Hittner syndrome; CHARGE ASSOCIATION--COLOBOMA, HEART ANOMALY, CHOANAL ATRESIA, RETARDATION, GENITAL AND EAR ANOMALIES. Identifiers: Orphanet 138, MedGen C0265354, MONDO:0008965.

Submission:

Labcorp Genetics (formerly Invitae), Labcorp
Classification: Uncertain significance for CHARGE syndrome. Last evaluated: 2019-09-10. Review status: criteria provided, single submitter. Criteria: Invitae Variant Classification Sherloc (09022015). Collection method: clinical testing. Allele origin: germline.
Comment: This sequence change replaces threonine with proline at codon 547 of the CHD7 protein (p.Thr547Pro). The threonine residue is highly conserved and there is a small physicochemical difference between threonine and proline. This variant is not present in population databases (ExAC no frequency). This variant has not been reported in the literature in individuals with CHD7-related conditions. Algorithms developed to predict the effect of missense changes on protein structure and function are either unavailable or do not agree on the potential impact of this missense change (SIFT: "Tolerated"; PolyPhen-2: "Possibly Damaging"; Align-GVGD: "Class C0"). In summary, the available evidence is currently insufficient to determine the role of this variant in disease. Therefore, it has been classified as a Variant of Uncertain Significance.

NM_017780.4(CHD7):c.1639A>C (p.Thr547Pro)

Gene: CHD7 (chromodomain helicase DNA binding protein 7; plus strand). Cytogenetic location: 8q12.2.
Variant type: single nucleotide variant.
Coding change: c.1639A>C on transcript NM_017780.4 (MANE Select); coding-DNA position 1639, A replaced by C.
Protein change: p.Thr547Pro; replaces threonine 547 with proline.
Molecular consequence: missense variant.
Genome position (GRCh38, 1-based): chr8:60,743,071, A>C. VCF-style: chr8-60743071-A-C. GRCh37 (hg19) VCF-style: chr8-61655630-A-C.
Other names: c.1639A>C, p.Thr547Pro (NM_001316690.1); short protein forms T547P.
Identifiers: ClinVar variation 942109 (VCV000942109.9), dbSNP rs1586252204, ClinGen allele CA371303785.